The following is an entry in ClinVar:

NM_002907.4(RECQL):c.395-13_395-3del

Gene: RECQL (RecQ like helicase; minus strand). Cytogenetic location: 12p12.1.
Variant type: Deletion.
Coding change: c.395-13_395-3del on transcript NM_002907.4 (MANE Select); 13 bases into the intron before coding-DNA position 395 through 3 bases into the intron before coding-DNA position 395, 11 bases deleted (TTTTCTCTTTT).
Molecular consequence: intron variant.
Genome position (GRCh38, 1-based): chr12:21,486,588-21,486,598, AAAAGAGAAAA deleted on the plus strand (TTTTCTCTTTT on the coding strand, the reverse complement: RECQL is on the minus strand); deleting any 11 consecutive bases within chr12:21,486,588-21,486,602 gives the same sequence; the c. name uses the placement nearest the transcript's 3' end. VCF-style (leftmost placement, unchanged base first): chr12-21486587-TAAAAGAGAAAA-T. GRCh37 (hg19) VCF-style: chr12-21639521-TAAAAGAGAAAA-T.
Other names: c.395-13_395-3del (NM_032941.3).
Identifiers: ClinVar variation 3572227 (VCV003572227.1).

ClinVar aggregate classification (germline): Uncertain significance (1 of 4 stars; one submission).

Submission:

Quest Diagnostics Nichols Institute San Juan Capistrano
Classification: Uncertain significance. Last evaluated: 2024-11-20. Review status: criteria provided, single submitter. Criteria: Quest Diagnostics criteria. Collection method: clinical testing. Allele origin: unknown.
Comment: The RECQL c.395-13_395-3del variant has not been reported in individuals with RECQL-related conditions in the published literature. It also has not been reported in large, multi-ethnic general populations (Genome Aggregation Database). Analysis of this variant using software algorithms for the prediction of the effect of nucleotide changes on splicing yielded predictions that this variant may affect proper RECQL mRNA splicing. Based on the available information, we are unable to determine the clinical significance of this variant.